The following is an entry in ClinVar:

ClinVar aggregate classification (germline): Uncertain significance. Review status: criteria provided, multiple submitters, no conflicts (2 of 4 stars). 3 submissions from 3 submitters: Uncertain significance (3). Last evaluated 2026-01-17.

Conditions:
Familial thoracic aortic aneurysm and aortic dissection (TAAD). Also called: Thoracic aortic aneurysms and dissections. Identifiers: Orphanet 91387, MedGen C4707243, MONDO:0019625.
Connective tissue disorder. Also called: Connective tissue disease. Identifiers: MedGen C0009782, MONDO:0003900.
Aortic aneurysm, familial thoracic 7 (AAT7). Also called: AORTIC DISSECTION, FAMILIAL, WITH OR WITHOUT AORTIC ANEURYSM. Identifiers: MedGen C3151077, MONDO:0013418, OMIM 613780.

Allele frequency attached by ClinVar (database versions not stated): gnomAD exomes below 0.00001; TOPMed 0.00002; gnomAD 0.00004.
gnomAD v4.1: 10 of 1,614,034 alleles (0.00062%); highest among the groups gnomAD compares: African/African-American, 0.0067%; no homozygotes.

Submissions (3):

Ambry Genetics
Classification: Uncertain significance for Familial thoracic aortic aneurysm and aortic dissection. Last evaluated: 2026-01-17. Review status: criteria provided, single submitter. Criteria: Ambry Variant Classification Scheme 2023. Collection method: clinical testing. Allele origin: germline.
Comment: The p.S1812F variant (also known as c.5435C>T), located in coding exon 30 of the MYLK gene, results from a C to T substitution at nucleotide position 5435. The serine at codon 1812 is replaced by phenylalanine, an amino acid with highly dissimilar properties. This amino acid position is conserved. In addition, this alteration is predicted to be tolerated by in silico analysis. Based on the available evidence, the clinical significance of this variant remains unclear.

Labcorp Genetics (formerly Invitae), Labcorp
Classification: Uncertain significance for Aortic aneurysm, familial thoracic 7. Last evaluated: 2024-06-30. Review status: criteria provided, single submitter. Criteria: Invitae Variant Classification Sherloc (09022015). Collection method: clinical testing. Allele origin: germline.
Comment: This sequence change replaces serine, which is neutral and polar, with phenylalanine, which is neutral and non-polar, at codon 1812 of the MYLK protein (p.Ser1812Phe). This variant is present in population databases (no rsID available, gnomAD 0.02%). This variant has not been reported in the literature in individuals affected with MYLK-related conditions. ClinVar contains an entry for this variant (Variation ID: 547561). Advanced modeling of protein sequence and biophysical properties (such as structural, functional, and spatial information, amino acid conservation, physicochemical variation, residue mobility, and thermodynamic stability) performed at Invitae indicates that this missense variant is not expected to disrupt MYLK protein function with a negative predictive value of 80%. In summary, the available evidence is currently insufficient to determine the role of this variant in disease. Therefore, it has been classified as a Variant of Uncertain Significance.

Center for Human Genetics, Inc
Classification: Uncertain significance for Connective tissue disorder. Last evaluated: 2016-11-01. Review status: criteria provided, single submitter. Criteria: ACMG Guidelines, 2015. Collection method: clinical testing. Allele origin: germline. Affected: yes.

NM_053025.4(MYLK):c.5435C>T (p.Ser1812Phe)

Genes: MYLK (myosin light chain kinase; minus strand), MYLK-AS1 (MYLK antisense RNA 1; plus strand). Cytogenetic location: 3q21.1.
Variant type: single nucleotide variant.
Coding change: c.5435C>T on transcript NM_053025.4 (MANE Select); coding-DNA position 5435, C replaced by T.
Protein change: p.Ser1812Phe; replaces serine 1812 with phenylalanine.
Molecular consequence: missense variant.
Genome position (GRCh38, 1-based): chr3:123,618,704, G>A on the plus strand (C>T on the coding strand, the complement: MYLK is on the minus strand). VCF-style: chr3-123618704-G-A. GRCh37 (hg19) VCF-style: chr3-123337551-G-A.
Other names: c.4907C>T, p.Ser1636Phe (NM_001321309.2); c.5228C>T, p.Ser1743Phe (NM_053026.4); c.5282C>T, p.Ser1761Phe (NM_053027.4); c.5075C>T, p.Ser1692Phe (NM_053028.4); c.152C>T, p.Ser51Phe (NM_053031.4); c.155C>T, p.Ser52Phe (NM_053032.4); short protein forms S1812F, S1692F, S1761F, S1743F, S1636F, S52F, S51F.
Identifiers: ClinVar variation 547561 (VCV000547561.4), dbSNP rs1007504430, ClinGen allele CA82940111.
Genomic context (GRCh38, chr3:123,618,704, plus strand): 5'-ATCTTGCAGTCAAATCTAGCAGCACTTCCCTCCACAACTTCTAAATCGCGAATGGTCTTA[G>A]AGAAATAGGGTTTTACATGAGGCTTTTCCTCAGCAACAGCCTCAAGGAAAGCTTGGGACA-3'
Protein context (NP_444253.3, residues 1802-1822): EEKPHVKPYF[Ser1812Phe]KTIRDLEVVE